The following is an entry in ClinVar:

NM_000257.4(MYH7):c.1615A>G (p.Met539Val)

Gene: MYH7 (myosin heavy chain 7; minus strand). Cytogenetic location: 14q11.2.
Variant type: single nucleotide variant.
Coding change: c.1615A>G on transcript NM_000257.4 (MANE Select); coding-DNA position 1615, A replaced by G.
Protein change: p.Met539Val; replaces methionine 539 with valine.
Molecular consequence: missense variant.
Genome position (GRCh38, 1-based): chr14:23,427,858, T>C on the plus strand (A>G on the coding strand, the complement: MYH7 is on the minus strand). VCF-style: chr14-23427858-T-C. GRCh37 (hg19) VCF-style: chr14-23897067-T-C.
Other names: p.M539V:ATG>GTG; c.1615A>G (LRG_384t1); short protein forms M539V.
Identifiers: ClinVar variation 181409 (VCV000181409.17), dbSNP rs730880930, ClinGen allele CA011068.

ClinVar aggregate classification (germline): Pathogenic/Likely pathogenic. Review status: criteria provided, multiple submitters, no conflicts (2 of 4 stars). 3 submissions from 3 submitters: Pathogenic (1); Likely pathogenic (2). Last evaluated 2025-11-03.

Conditions:
MYH7-related disorder. Also called: MYH7-related condition; MYH7-related disease; MYH7-related disorders.
Hypertrophic cardiomyopathy. Also called: HYPERTROPHIC MYOCARDIOPATHY. Identifiers: Orphanet 217569, MedGen C0007194, MeSH D002312, MONDO:0005045, HP:0001639.

Submissions (3):

Labcorp Genetics (formerly Invitae), Labcorp
Classification: Pathogenic for Hypertrophic cardiomyopathy. Last evaluated: 2025-11-03. Review status: criteria provided, single submitter. Criteria: Invitae Variant Classification Sherloc (09022015). Collection method: clinical testing. Allele origin: germline.
Comment: This sequence change replaces methionine, which is neutral and non-polar, with valine, which is neutral and non-polar, at codon 539 of the MYH7 protein (p.Met539Val). This variant is not present in population databases (gnomAD no frequency). This missense change has been observed in individuals with hypertrophic cardiomyopathy (PMID: 26271555, 29121657, 33407484, 33658040; internal data). ClinVar contains an entry for this variant (Variation ID: 181409). Invitae Evidence Modeling of protein sequence and biophysical properties (such as structural, functional, and spatial information, amino acid conservation, physicochemical variation, residue mobility, and thermodynamic stability) indicates that this missense variant is expected to disrupt MYH7 protein function with a positive predictive value of 95%. This variant is found within a region of MYH7 between codons 181 and 937 that contains the majority of the myosin head domain. Missense variants in this region have been shown to be significantly overrepresented in individuals with hypertrophic cardiomyopathy (PMID: 27532257). For these reasons, this variant has been classified as Pathogenic.

GeneDx
Classification: Likely pathogenic. Last evaluated: 2024-03-19. Review status: criteria provided, single submitter. Criteria: GeneDx Variant Classification Process June 2021. Collection method: clinical testing. Allele origin: germline. Affected: yes.
Comment: Identified in patients with HCM referred for genetic testing at GeneDx and in the published literature (PMID: 26271555, 29121657, 33658040, 35653365); Not observed at significant frequency in large population cohorts (gnomAD); In silico analysis supports that this missense variant has a deleterious effect on protein structure/function; This variant is associated with the following publications: (PMID: 29121657, 33407484, 33658040, 35653365, 37629714, 26271555, 27532257, 29300372)

Blueprint Genetics
Classification: Likely pathogenic for MYH7-related disorders. Last evaluated: 2019-06-19. Review status: criteria provided, single submitter. Criteria: ACMG Guidelines, 2015. Collection method: clinical testing. Allele origin: germline. Affected: yes. Observed: 1 variant allele.

Literature cited by the submitters: PubMed 26271555 (cited by Labcorp Genetics (formerly Invitae), Labcorp); PubMed 29121657 (cited by Labcorp Genetics (formerly Invitae), Labcorp); PubMed 33407484 (cited by Labcorp Genetics (formerly Invitae), Labcorp); PubMed 33658040 (cited by Labcorp Genetics (formerly Invitae), Labcorp); PubMed 27532257 (cited by Labcorp Genetics (formerly Invitae), Labcorp).